The following is an entry in ClinVar:

NM_004006.3(DMD):c.1750A>C (p.Lys584Gln)

Gene: DMD (dystrophin; minus strand). Cytogenetic location: Xp21.1.
Variant type: single nucleotide variant.
Coding change: c.1750A>C on transcript NM_004006.3 (MANE Select); coding-DNA position 1750, A replaced by C.
Protein change: p.Lys584Gln; replaces lysine 584 with glutamine.
Molecular consequence: missense variant.
Genome position (GRCh38, 1-based): chrX:32,573,592, T>G on the plus strand (A>C on the coding strand, the complement: DMD is on the minus strand). VCF-style: chrX-32573592-T-G. GRCh37 (hg19) VCF-style: chrX-32591709-T-G.
Other names: c.1726A>C, p.Lys576Gln (NM_000109.4); c.1738A>C, p.Lys580Gln (NM_004009.3); c.1381A>C, p.Lys461Gln (NM_004010.3); short protein forms K584Q, K461Q, K580Q, K576Q.
Identifiers: ClinVar variation 662365 (VCV000662365.11), dbSNP rs1601808608, ClinGen allele CA412673204.

ClinVar aggregate classification (germline): Uncertain significance. Review status: criteria provided, multiple submitters, no conflicts (2 of 4 stars). 2 submissions from 2 submitters: Uncertain significance (2). Last evaluated 2020-02-12.

Conditions:
Duchenne muscular dystrophy (DMD). Also called: MUSCULAR DYSTROPHY, PSEUDOHYPERTROPHIC PROGRESSIVE, DUCHENNE TYPE; Duchenne Muscular Dystrophy (DMD). Identifiers: Orphanet 98896, MedGen C0013264, MONDO:0010679, OMIM 310200.

Submissions (2):

Labcorp Genetics (formerly Invitae), Labcorp
Classification: Uncertain significance for Duchenne muscular dystrophy. Last evaluated: 2020-02-12. Review status: criteria provided, single submitter. Criteria: Invitae Variant Classification Sherloc (09022015). Collection method: clinical testing. Allele origin: germline.
Comment: In summary, the available evidence is currently insufficient to determine the role of this variant in disease. Therefore, it has been classified as a Variant of Uncertain Significance. Algorithms developed to predict the effect of missense changes on protein structure and function (SIFT, PolyPhen-2, Align-GVGD) all suggest that this variant is likely to be tolerated, but these predictions have not been confirmed by published functional studies and their clinical significance is uncertain. This variant has not been reported in the literature in individuals with DMD-related disease. This variant is not present in population databases (ExAC no frequency). This sequence change replaces lysine with glutamine at codon 584 of the DMD protein (p.Lys584Gln). The lysine residue is moderately conserved and there is a small physicochemical difference between lysine and glutamine.

Revvity Omics, Revvity
Classification: Uncertain significance. Last evaluated: 2019-07-24. Review status: criteria provided, single submitter. Criteria: ACMG Guidelines, 2015. Collection method: clinical testing. Allele origin: germline.